The following is an entry in ClinVar:

NM_000548.5(TSC2):c.4507C>T (p.Gln1503Ter)

Gene: TSC2 (TSC complex subunit 2; plus strand). Cytogenetic location: 16p13.3.
Variant type: single nucleotide variant.
Coding change: c.4507C>T on transcript NM_000548.5 (MANE Select); coding-DNA position 4507, C replaced by T.
Protein change: p.Gln1503Ter; replaces glutamine 1503 with a stop codon.
Molecular consequence: nonsense.
Genome position (GRCh38, 1-based): chr16:2,084,964, C>T. VCF-style: chr16-2084964-C-T. GRCh37 (hg19) VCF-style: chr16-2134965-C-T.
Other names: c.4306C>T, p.Gln1436Ter (NM_001077183.3); c.4438C>T, p.Gln1480Ter (NM_001114382.3); c.4198C>T, p.Gln1400Ter (NM_001318827.2); c.4162C>T, p.Gln1388Ter (NM_001318829.2); c.3775C>T, p.Gln1259Ter (NM_001318831.2); c.4339C>T, p.Gln1447Ter (NM_001318832.2); c.4309C>T, p.Gln1437Ter (NM_001363528.2); c.4375C>T, p.Gln1459Ter (NM_001370404.1); and 1 more; short protein forms Q1503*, Q1259*, Q1447*, Q1459*, Q1460*, Q1388*, Q1400*, Q1480*.
Identifiers: ClinVar variation 49301 (VCV000049301.18), dbSNP rs45517348, ClinGen allele CA020569.

ClinVar aggregate classification (germline): Pathogenic. Review status: criteria provided, multiple submitters, no conflicts (2 of 4 stars). 10 submissions from 10 submitters: Pathogenic (9). 1 of the submissions does not count toward it. Last evaluated 2024-10-30.

Conditions:
Lymphangiomyomatosis (LAM). Also called: Lymphangioleiomyomatosis; Lymphangioleiomyomatosis, somatic. Identifiers: Orphanet 538, MedGen C0751674, MONDO:0011705, OMIM 606690.
Tuberous sclerosis 2 (TSC2). Identifiers: Orphanet 805, MedGen C1860707, MONDO:0013199, OMIM 613254.
Isolated focal cortical dysplasia type II (FCORD2). Also called: CORTICAL DYSPLASIA OF TAYLOR; Focal cortical dysplasia type II. Identifiers: Orphanet 268994, MedGen C1846385, MONDO:0011818, OMIM 607341, HP:0032051.
TSC2-related disorder. Also called: TSC2-Related Disorders; TSC2-related condition.
Hereditary cancer-predisposing syndrome. Also called: Tumor predisposition; Neoplastic Syndromes, Hereditary; Hereditary neoplastic syndrome; Hereditary Cancer Syndrome. Identifiers: Orphanet 140162, MedGen C0027672, MeSH D009386, MONDO:0015356.
Tuberous sclerosis syndrome (TSC). Also called: Tuberous Sclerosis Complex; Tuberous sclerosis. Identifiers: Orphanet 805, MedGen C0041341, MONDO:0001734.

Submissions (10):

Victorian Clinical Genetics Services, Murdoch Childrens Research Institute
Classification: Pathogenic for Tuberous sclerosis 2. Last evaluated: 2024-10-30. Review status: criteria provided, single submitter. Criteria: ACMG Guidelines, 2015. Collection method: clinical testing. Allele origin: germline. Affected: no.
Comment: This variant is classified as Pathogenic. Evidence in support of pathogenic classification: Variant is predicted to cause nonsense-mediated decay (NMD) and loss of protein (premature termination codon is located at least 54 nucleotides upstream of the final exon-exon junction); Variant is absent from gnomAD (v2, v3 and v4); This variant has strong previous evidence of pathogenicity in unrelated individuals. This variant has been classified as pathogenic by multiple clinical laboratories (ClinVar); Other premature termination variants comparable to the one identified in this case have very strong previous evidence for pathogenicity. Many NMD-predicted variants have been classified as pathogenic or likely pathogenic by clinical laboratories (ClinVar). Additional information: This gene is associated with autosomal dominant disease; Loss of function is a known mechanism of disease in this gene and is associated with tuberous sclerosis-2 (MIM#613254); Variants in this gene are known to have variable expressivity. Intrafamilial variability has been reported for tuberous sclerosis-2 (PMID: 31018109); Inheritance information for this variant is not currently available in this individual.

Blueprint Genetics
Classification: Pathogenic for TSC2-related disorders. Last evaluated: 2024-01-12. Review status: criteria provided, single submitter. Criteria: ACMG Guidelines, 2015. Collection method: clinical testing. Allele origin: germline. Affected: yes. Observed: 1 variant allele.

Ambry Genetics
Classification: Pathogenic for Hereditary cancer-predisposing syndrome. Last evaluated: 2023-06-30. Review status: criteria provided, single submitter. Criteria: Ambry Variant Classification Scheme 2023. Collection method: clinical testing. Allele origin: germline.
Comment: The p.Q1503* pathogenic mutation (also known as c.4507C>T), located in coding exon 34 of the TSC2 gene, results from a C to T substitution at nucleotide position 4507. This changes the amino acid from a glutamine to a stop codon within coding exon 34. This alteration has been observed in at least one individual with a personal and/or family history that is consistent with TSC2-related disease (Ambry internal data; Niida Y et al. Hum Mutat, 1999;14:412-22; Yu T et al. Clin Neurol Neurosurg, 2017 Mar;154:104-108). This variant has been determined to be the result of a de novo mutation or germline mosaicism in one individual with tuberous sclerosis complex (TSC) (Ding Y et al. Front Genet, 2020 Mar;11:204). This variant is considered to be rare based on population cohorts in the Genome Aggregation Database (gnomAD). In addition to the clinical data presented in the literature, this alteration is expected to result in loss of function by premature protein truncation or nonsense-mediated mRNA decay. As such, this alteration is interpreted as a disease-causing mutation.

Genetics and Molecular Pathology, SA Pathology
Classification: Pathogenic for Tuberous sclerosis 2. Last evaluated: 2023-06-23. Review status: criteria provided, single submitter. Criteria: ACMG Guidelines, 2015. Collection method: clinical testing. Allele origin: germline. Inheritance: Autosomal dominant inheritance. Affected: yes.
Comment: The TSC2 c.4507C>T variant is classified as Pathogenic (PVS1, PS4_Moderate, PM2) The TSC2 c.4507C>T variant is a single nucleotide change which is predicted to result in premature termination of the protein product at codon 1503. The variant has been previously reported in individuals with a clinical presentation of Tuberous sclerosis (PMID:10533067, PMID:25525159, PMID:32211034.) (PS4_Moderate). This variant is absent from population databases (PM2). The variant has been reported in dbSNP (rs45517348) and in the HGMD database: CM992689. It has been reported as Pathogenic by other diagnostic laboratories (ClinVar Variation ID: 49301).

GeneDx
Classification: Pathogenic. Last evaluated: 2023-02-12. Review status: criteria provided, single submitter. Criteria: GeneDx Variant Classification Process June 2021. Collection method: clinical testing. Allele origin: germline. Affected: yes.
Comment: Nonsense variant predicted to result in protein truncation or nonsense mediated decay in a gene for which loss of function is a known mechanism of disease; Not observed at significant frequency in large population cohorts (gnomAD); This variant is associated with the following publications: (PMID: 10533067, 25525159, 28178598, 21520333, 32211034, 35007768)

Labcorp Genetics (formerly Invitae), Labcorp
Classification: Pathogenic for Tuberous sclerosis 2. Last evaluated: 2022-04-28. Review status: criteria provided, single submitter. Criteria: Invitae Variant Classification Sherloc (09022015). Collection method: clinical testing. Allele origin: germline.
Comment: This sequence change creates a premature translational stop signal (p.Gln1503*) in the TSC2 gene. It is expected to result in an absent or disrupted protein product. Loss-of-function variants in TSC2 are known to be pathogenic (PMID: 10205261, 17304050). For these reasons, this variant has been classified as Pathogenic. This variant is not present in population databases (gnomAD no frequency). This premature translational stop signal has been observed in individual(s) with tuberous sclerosis (PMID: 10533067, 21520333, 28178598). In at least one individual the variant was observed to be de novo. ClinVar contains an entry for this variant (Variation ID: 49301).

Fulgent Genetics
Classification: Pathogenic for Lymphangiomyomatosis; Isolated focal cortical dysplasia type II; Tuberous sclerosis 2. Last evaluated: 2022-02-04. Review status: criteria provided, single submitter. Criteria: ACMG Guidelines, 2015. Collection method: clinical testing. Allele origin: unknown.

Genome-Nilou Lab
Classification: Pathogenic for Tuberous sclerosis 2. Last evaluated: 2021-11-07. Review status: criteria provided, single submitter. Criteria: ACMG Guidelines, 2015. Collection method: clinical testing. Allele origin: germline. Affected: no.

3billion
Classification: Pathogenic for Tuberous sclerosis 2. Review status: criteria provided, single submitter. Criteria: ACMG Guidelines, 2015. Collection method: clinical testing. Allele origin: unknown. Affected: yes. Observed: 1 heterozygote.
Comment: The variant is not observed in the gnomAD v2.1.1 dataset. The variant is predicted to result in a loss or disruption of normal protein function through nonsense-mediated decay (NMD) or protein truncation. Multiple pathogenic variants are reported downstream of the variant. The variant has been reported at least twice as pathogenic with clinical assertions and evidence for the classification (ClinVar ID: VCV000049301 / PMID: 10533067). Therefore, this variant is classified as Pathogenic according to the recommendation of ACMG/AMP guideline.

Tuberous sclerosis database (TSC2)
No classification provided. Condition: TSC. Review status: no classification provided. Criteria: Tuberous Sclerosis Database Assertion Criteria 2015. Collection method: curation. Allele origin: germline. Affected: yes. Not counted in ClinVar's aggregate classification.

Literature cited by the submitters: PubMed 31018109 (cited by Victorian Clinical Genetics Services, Murdoch Childrens Research Institute); PubMed 10533067 (cited by 4 submitters); PubMed 28178598 (cited by Ambry Genetics and Labcorp Genetics (formerly Invitae), Labcorp); PubMed 32211034 (cited by Ambry Genetics and Genetics and Molecular Pathology, SA Pathology); PubMed 25525159 (cited by Genetics and Molecular Pathology, SA Pathology); PubMed 10205261 (cited by Labcorp Genetics (formerly Invitae), Labcorp); PubMed 17304050 (cited by Labcorp Genetics (formerly Invitae), Labcorp); PubMed 21520333 (cited by Labcorp Genetics (formerly Invitae), Labcorp).